The following is an entry in ClinVar:

NM_032119.4(ADGRV1):c.6559A>G (p.Ile2187Val)

Gene: ADGRV1 (adhesion G protein-coupled receptor V1; plus strand). Cytogenetic location: 5q14.3.
Variant type: single nucleotide variant.
Coding change: c.6559A>G on transcript NM_032119.4 (MANE Select); coding-DNA position 6559, A replaced by G.
Protein change: p.Ile2187Val; replaces isoleucine 2187 with valine.
Molecular consequence: missense variant. On other transcripts: non-coding transcript variant (1).
Genome position (GRCh38, 1-based): chr5:90,689,929, A>G. VCF-style: chr5-90689929-A-G. GRCh37 (hg19) VCF-style: chr5-89985746-A-G.
Other names: short protein forms I2187V.
Identifiers: ClinVar variation 179159 (VCV000179159.27), dbSNP rs200512504, ClinGen allele CA183838.

ClinVar aggregate classification (germline): Benign/Likely benign. Review status: criteria provided, multiple submitters, no conflicts (2 of 4 stars). 8 submissions from 8 submitters: Benign (2); Likely benign (5). 1 of the submissions does not count toward it. Last evaluated 2026-01-28.

Conditions:
Usher syndrome type 2C. Also called: Usher syndrome, type 2B; USHER SYNDROME, TYPE IIC. Identifiers: Orphanet 231178, Orphanet 886, MedGen C2931213, MONDO:0011558, OMIM 605472.

Allele frequency attached by ClinVar (database versions not stated): gnomAD 0.00037 and 0.00042; TOPMed 0.00051; ExAC 0.00104; gnomAD exomes 0.00104; 1000 Genomes Project 30x 0.00125; 1000 Genomes Project 0.00140.
gnomAD v4.1: 419 of 1,613,200 alleles (0.026%); highest among the groups gnomAD compares: East Asian, 0.87%; no homozygotes.

Submissions (8):

Labcorp Genetics (formerly Invitae), Labcorp
Classification: Benign. Last evaluated: 2026-01-28. Review status: criteria provided, single submitter. Criteria: Invitae Variant Classification Sherloc (09022015). Collection method: clinical testing. Allele origin: germline.

Blueprint Genetics
Classification: Likely benign. Last evaluated: 2024-11-14. Review status: criteria provided, single submitter. Criteria: ACMG Guidelines, 2015. Collection method: clinical testing. Allele origin: germline.

GeneDx
Classification: Likely benign. Last evaluated: 2020-09-11. Review status: criteria provided, single submitter. Criteria: GeneDx Variant Classification Process June 2021. Collection method: clinical testing. Allele origin: germline. Affected: yes.
Comment: This variant is associated with the following publications: (PMID: 23767834, 30245029)

Mendelics
Classification: Benign for Usher syndrome type 2C. Last evaluated: 2019-05-28. Review status: criteria provided, single submitter. Criteria: Mendelics Assertion Criteria 2017. Collection method: clinical testing. Allele origin: unknown.

ARUP Laboratories, Molecular Genetics and Genomics, ARUP Laboratories
Classification: Likely benign. Last evaluated: 2018-01-18. Review status: criteria provided, single submitter. Criteria: ARUP Molecular Germline Variant Investigation Process. Collection method: clinical testing. Allele origin: germline.
Comment: The variant was also identified in deaf relatives, and no other significant variants were identified in 78 other deafness-associated genes. However, this variant is listed in the Genome Aggregation Database (gnomAD) browser with a frequency in East Asians of 1.4% (identified in 270 out of 18,802 chromosomes). Additionally, isoleucine and valine have similar physiochemical properties (Alamut software v2.9), and species of hare, rodent, and fish have a valine at codon 2187 suggesting this change is evolutionary tolerated. This variant is also not predicted to influence ADGRV1 mRNA splicing (Alamut software v2.9), and is listed in the ClinVar database as likely benign (Variation ID: 179159). Therefore, the p.Ile2187Val variant is likely to be benign.

Illumina Laboratory Services, Illumina
Classification: Likely benign for Usher syndrome type 2C. Last evaluated: 2018-01-12. Review status: criteria provided, single submitter. Criteria: ICSL Variant Classification Criteria 13 December 2019. Collection method: clinical testing. Allele origin: germline.
Comment: This variant was observed in the ICSL laboratory as part of a predisposition screen in an ostensibly healthy population. It had not been previously curated by ICSL or reported in the Human Gene Mutation Database (HGMD: prior to June 1st, 2018), and was therefore a candidate for classification through an automated scoring system. Utilizing variant allele frequency, disease prevalence and penetrance estimates, and inheritance mode, an automated score was calculated to assess if this variant is too frequent to cause the disease. Based on the score and internal cut-off values, a variant classified as likely benign is not then subjected to further curation. The score for this variant resulted in a classification of likely benign for this disease.

Laboratory for Molecular Medicine, Mass General Brigham Personalized Medicine
Classification: Likely benign. Last evaluated: 2013-08-16. Review status: criteria provided, single submitter. Criteria: LMM Criteria. Collection method: clinical testing. Allele origin: germline. Observed: 1 variant allele.
Comment: Ile2187Val in exon 30 of GPR98: This variant is not expected to have clinical si gnificance due to a lack of conservation across species, including mammals. Of n ote, guinea pig, rabbit, tenrec, stickleback, medaka, and lamprey have a valine (Val) at this position despite high nearby amino acid conservation. In addition, computational analyses (PolyPhen2, SIFT, AlignGVGD) do not suggest a high likel ihood of impact to the protein. Furthermore, this variant has been identified in 1% (2/200) of Han Chinese chromosomes by the 1000 Genomes Project (dbSNP rs2005 12504).

Soonchunhyang University Bucheon Hospital, Soonchunhyang University Medical Center
Classification: Uncertain significance for Usher syndrome type 2C. Last evaluated: 2016-03-18. Review status: flagged submission. Criteria: ACMG Guidelines, 2015. Collection method: reference population. Allele origin: germline. Observed: 1 variant allele. Not counted in ClinVar's aggregate classification.
ClinVar note: Reason: Older and outlier claim with insufficient supporting evidence

Literature cited by the submitters: PubMed 23767834 (cited by Laboratory for Molecular Medicine, Mass General Brigham Personalized Medicine and Soonchunhyang University Bucheon Hospital, Soonchunhyang University Medical Center).